The following is an entry in ClinVar:

ClinVar aggregate classification (germline): Likely pathogenic (1 of 4 stars; one submission).

Conditions:
Moyamoya disease with early-onset achalasia (MYMY6). Also called: MOYAMOYA DISEASE 6 WITH OR WITHOUT ACHALASIA. Identifiers: Orphanet 401945, MedGen C3810403, MONDO:0014331, OMIM 615750.

Submission:

First Genomix Gene Laboratory, Genetic Diagnostics Department
Classification: Likely pathogenic for Moyamoya disease with early-onset achalasia. Last evaluated: 2025-09-19. Review status: criteria provided, single submitter. Criteria: ACMG Guidelines, 2015. Collection method: clinical testing. Allele origin: germline. Inheritance: Autosomal recessive inheritance. Affected: no. Observed: 1 variant allele.

NM_001130682.3(GUCY1A1):c.1087-2A>T

Gene: GUCY1A1 (guanylate cyclase 1 soluble subunit alpha 1; plus strand). Cytogenetic location: 4q32.1.
Variant type: single nucleotide variant.
Coding change: c.1087-2A>T on transcript NM_001130682.3 (MANE Select); the canonical splice acceptor site of the intron before coding-DNA position 1087, A replaced by T.
Molecular consequence: splice acceptor variant.
Genome position (GRCh38, 1-based): chr4:155,713,096, A>T. VCF-style: chr4-155713096-A-T. GRCh37 (hg19) VCF-style: chr4-156634248-A-T.
Other names: c.1087-2A>T (NM_001379669.1, NM_001130683.4, NM_001379667.1 and 12 more transcripts); c.382-2A>T (NM_001130685.3, NM_001440518.1); c.580-2A>T (NM_001379676.1).
Identifiers: ClinVar variation 4850388 (VCV004850388.1).